The following is an entry in ClinVar:

ClinVar aggregate classification (germline): Pathogenic (1 of 4 stars; one submission).

Conditions:
Baller-Gerold syndrome (BGS). Also called: CRANIOSYNOSTOSIS WITH RADIAL DEFECTS. Identifiers: Orphanet 1225, MedGen C0265308, MONDO:0009039, OMIM 218600.

Allele frequency attached by ClinVar (database versions not stated): gnomAD exomes below 0.00001; gnomAD 0.00001.
gnomAD v4.1: 1 of 1,570,696 alleles (0.000064%); highest among the groups gnomAD compares: Non-Finnish European, 0.000086%; no homozygotes.

Submission:

Labcorp Genetics (formerly Invitae), Labcorp
Classification: Pathogenic for Baller-Gerold syndrome. Last evaluated: 2019-05-29. Review status: criteria provided, single submitter. Criteria: Invitae Variant Classification Sherloc (09022015). Collection method: clinical testing. Allele origin: germline.
Comment: This variant has not been reported in the literature in individuals with RECQL4-related conditions. This sequence change creates a premature translational stop signal (p.Gln479*) in the RECQL4 gene. It is expected to result in an absent or disrupted protein product. This variant is not present in population databases (ExAC no frequency). Loss-of-function variants in RECQL4 are known to be pathogenic (PMID: 12734318, 12952869). For these reasons, this variant has been classified as Pathogenic.

Literature cited by the submitters: PubMed 12734318; PubMed 12952869.

NM_004260.4(RECQL4):c.1435C>T (p.Gln479Ter)

Gene: RECQL4 (RecQ like helicase 4; minus strand). Cytogenetic location: 8q24.3.
Variant type: single nucleotide variant.
Coding change: c.1435C>T on transcript NM_004260.4 (MANE Select); coding-DNA position 1435, C replaced by T.
Protein change: p.Gln479Ter; replaces glutamine 479 with a stop codon.
Molecular consequence: nonsense.
Genome position (GRCh38, 1-based): chr8:144,515,198, G>A on the plus strand (C>T on the coding strand, the complement: RECQL4 is on the minus strand). VCF-style: chr8-144515198-G-A. GRCh37 (hg19) VCF-style: chr8-145740582-G-A.
Other names: short protein forms Q479*.
Identifiers: ClinVar variation 940140 (VCV000940140.6), dbSNP rs1254532871, ClinGen allele CA372684825.
Genomic context (GRCh38, chr8:144,515,198, plus strand): 5'-AGCCACGCTCACCAGACAGGATCCGCATGACTGCACGCTCCTGCCCAGGGCGAAAGGCTT[G>A]GTGCCCCAGCTGCTCCAGGGCCTGGAACACCTCAGCCGGCGTCTCTGCAGACACAGATGT-3'